The following is an entry in ClinVar:

NM_000384.3(APOB):c.1615A>G (p.Lys539Glu)

Gene: APOB (apolipoprotein B; minus strand). Cytogenetic location: 2p24.1.
Variant type: single nucleotide variant.
Coding change: c.1615A>G on transcript NM_000384.3 (MANE Select); coding-DNA position 1615, A replaced by G.
Protein change: p.Lys539Glu; replaces lysine 539 with glutamic acid.
Molecular consequence: missense variant.
Genome position (GRCh38, 1-based): chr2:21,029,641, T>C on the plus strand (A>G on the coding strand, the complement: APOB is on the minus strand). VCF-style: chr2-21029641-T-C. GRCh37 (hg19) VCF-style: chr2-21252513-T-C.
Other names: short protein forms K539E.
Identifiers: ClinVar variation 1007293 (VCV001007293.10), dbSNP rs1663826936, ClinGen allele CA346014874.
Genomic context (GRCh38, chr2:21,029,641, plus strand): 5'-ACCTTCCAAATCCTTGTTAATAAACTTTCACTTTCAGACCTCTTCTTGTGGACTTTACCT[T>C]GTCTTTAGGCTCCATTTTCCGCAGAGCCTGGATGGCAGCTTTCTGGATCATCAGTGATGG-3'
Protein context (NP_000375.3, residues 529-549): QALRKMEPKD[Lys539Glu]DQEVLLQTFL

ClinVar aggregate classification (germline): Uncertain significance (1 of 4 stars; one submission).

Conditions:
Familial hypobetalipoproteinemia 1. Also called: APOB-Related Familial Hypobetalipoproteinemia; Hypobetalipoproteinemia, normotriglyceridemic; Acanthocytosis with hypobetalipoproteinemia. Identifiers: MedGen C4551990, MONDO:0014252, OMIM 615558.
Hypercholesterolemia, autosomal dominant, type B (FHCL2). Also called: APOLIPOPROTEIN B-100, FAMILIAL DEFECTIVE; APOLIPOPROTEIN B-100, FAMILIAL LIGAND-DEFECTIVE; HYPERCHOLESTEROLEMIA, FAMILIAL, DUE TO LIGAND-DEFECTIVE APOLIPOPROTEIN B; Hyperlipoproteinemia Type IIb; Familial hypercholesterolemia 2; Familial Hypercholesterolemia Type B. Identifiers: MedGen C1704417, MONDO:0007751, OMIM 144010.

Submission:

Labcorp Genetics (formerly Invitae), Labcorp
Classification: Uncertain significance for Familial hypobetalipoproteinemia 1; Hypercholesterolemia, autosomal dominant, type B. Last evaluated: 2020-07-15. Review status: criteria provided, single submitter. Criteria: Invitae Variant Classification Sherloc (09022015). Collection method: clinical testing. Allele origin: germline.
Comment: This sequence change replaces lysine with glutamic acid at codon 539 of the APOB protein (p.Lys539Glu). The lysine residue is weakly conserved and there is a small physicochemical difference between lysine and glutamic acid. In summary, the available evidence is currently insufficient to determine the role of this variant in disease. Therefore, it has been classified as a Variant of Uncertain Significance. Algorithms developed to predict the effect of missense changes on protein structure and function output the following: SIFT: "Tolerated"; PolyPhen-2: "Benign"; Align-GVGD: "Class C0". The glutamic acid amino acid residue is found in multiple mammalian species, suggesting that this missense change does not adversely affect protein function. These predictions have not been confirmed by published functional studies and their clinical significance is uncertain. This variant has been observed in individual(s) with clinical features of familial hypercholesterolemia (Invitae). This variant is not present in population databases (ExAC no frequency).